The following is an entry in ClinVar:

NM_012431.3(SEMA3E):c.387_388insAATAAAAACAATGCTTAAAACAACCTTGTTCTCAAAGAAAGACTACAGCATTT (p.Leu130delinsAsnLysAsnAsnAlaTer)

Gene: SEMA3E (semaphorin 3E; minus strand). Cytogenetic location: 7q21.11.
Variant type: Insertion.
Coding change: c.387_388insAATAAAAACAATGCTTAAAACAACCTTGTTCTCAAAGAAAGACTACAGCATTT on transcript NM_012431.3 (MANE Select); coding-DNA positions 387 to 388, AATAAAAACAATGCTTAAAACAACCTTGTTCTCAAAGAAAGACTACAGCATTT inserted.
Protein change: p.Leu130delinsAsnLysAsnAsnAlaTer.
Molecular consequence: nonsense.
Genome position: GRCh38: chr7:83,466,550-83,466,551. GRCh37 (hg19): chr7:83,095,866-83,095,867.
Other names: c.207_208insAATAAAAACAATGCTTAAAACAACCTTGTTCTCAAAGAAAGACTACAGCATTT, p.Leu70delinsAsnLysAsnAsnAlaTer (NM_001178129.2).
Identifiers: ClinVar variation 2754451 (VCV002754451.3), dbSNP rs2484438694, ClinGen allele CA2697557352.

ClinVar aggregate classification (germline): Uncertain significance (1 of 4 stars; one submission).

Conditions:
CHARGE syndrome (CHARGE). Also called: Hittner Hirsch Kreh syndrome; CHARGE ASSOCIATION--COLOBOMA, HEART ANOMALY, CHOANAL ATRESIA, RETARDATION, GENITAL AND EAR ANOMALIES; Coloboma, heart anomaly, choanal atresia, retardation, genital and ear anomalies; CHARGE association; Hall-Hittner syndrome. Identifiers: Orphanet 138, MedGen C0265354, MONDO:0008965.

Submission:

Labcorp Genetics (formerly Invitae), Labcorp
Classification: Uncertain significance for CHARGE syndrome. Last evaluated: 2023-05-31. Review status: criteria provided, single submitter. Criteria: Invitae Variant Classification Sherloc (09022015). Collection method: clinical testing. Allele origin: germline.
Comment: In summary, the available evidence is currently insufficient to determine the role of this variant in disease. Therefore, it has been classified as a Variant of Uncertain Significance. This variant has not been reported in the literature in individuals affected with SEMA3E-related conditions. This variant is not present in population databases (gnomAD no frequency). This sequence change creates a premature translational stop signal (p.Leu130Asnfs*6) in the SEMA3E gene. It is expected to result in an absent or disrupted protein product. However, the current clinical and genetic evidence is not sufficient to establish whether loss-of-function variants in SEMA3E cause disease.